The following is an entry in ClinVar:

ClinVar aggregate classification (germline): Pathogenic (1 of 4 stars; one submission).

Conditions:
Inborn genetic diseases. Identifiers: MedGen C0950123, MeSH D030342.

Submission:

Ambry Genetics
Classification: Pathogenic for Inborn genetic diseases. Last evaluated: 2022-08-12. Review status: criteria provided, single submitter. Criteria: Ambry Variant Classification Scheme 2023. Collection method: clinical testing. Allele origin: germline.
Comment: The c.3429delC (p.S1144Lfs*17) alteration, located in exon 24 (coding exon 24) of the GEMIN5 gene, consists of a deletion of one nucleotide at position 3429, causing a translational frameshift with a predicted alternate stop codon after 17 amino acids. This alteration is expected to result in loss of function by premature protein truncation or nonsense-mediated mRNA decay. Based on data from gnomAD, this alteration has an overall frequency of <0.001% (1/250554) total alleles studied. The highest observed frequency was 0.001% (1/113434) of European (non-Finnish) alleles. Based on the available evidence, this alteration is classified as pathogenic.

NM_015465.5(GEMIN5):c.3429del (p.Ser1144fs)

Gene: GEMIN5 (gem nuclear organelle associated protein 5; minus strand). Cytogenetic location: 5q33.2.
Variant type: Deletion.
Coding change: c.3429del on transcript NM_015465.5 (MANE Select); coding-DNA position 3429, one base deleted (C; older notation c.3429delC).
Protein change: p.Ser1144fs; shifts the reading frame from serine 1144.
Molecular consequence: frameshift variant.
Genome position (GRCh38, 1-based): chr5:154,896,260, G deleted on the plus strand (C on the coding strand, the reverse complement: GEMIN5 is on the minus strand); the first of 2 consecutive G bases (chr5:154,896,260-154,896,261); deleting either gives the same sequence. VCF-style (leftmost placement, unchanged base first): chr5-154896259-AG-A. GRCh37 (hg19) VCF-style: chr5-154275819-AG-A.
Other names: c.3426del, p.Ser1143fs (NM_001252156.2); short protein forms S1143fs, S1144fs.
Identifiers: ClinVar variation 2300728 (VCV002300728.2), dbSNP rs1458106178, ClinGen allele CA563959347.
Genomic context (GRCh38, chr5:154,896,259, plus strand): 5'-ACACTGCAGTCACCCTCTCCACGAAAGGCCCTTCGGTGCCCGTGTTCCAAGTGTGGTAAG[AG>A]GAGGAGCTTTTGCCCTCTGAAAGCTGCTTTTCCTCCAGATGCCTGGACAGTAGCTCCAGA-3'